The following is an entry in ClinVar:

ClinVar aggregate classification (germline): Uncertain significance (1 of 4 stars; one submission).

Conditions:
Idiopathic generalized epilepsy. Also called: EIG; Generalised epilepsy. Identifiers: MedGen C0270850, MONDO:0005579, OMIM 600669.

Submission:

Labcorp Genetics (formerly Invitae), Labcorp
Classification: Uncertain significance for Idiopathic generalized epilepsy. Last evaluated: 2025-10-01. Review status: criteria provided, single submitter. Criteria: Invitae Variant Classification Sherloc (09022015). Collection method: clinical testing. Allele origin: germline.
Comment: This sequence change replaces aspartic acid, which is acidic and polar, with histidine, which is basic and polar, at codon 207 of the GABRD protein (p.Asp207His). This variant is not present in population databases (gnomAD no frequency). This variant has not been reported in the literature in individuals affected with GABRD-related conditions. An algorithm developed to predict the effect of missense changes on protein structure and function (PolyPhen-2) suggests that this variant is likely to be disruptive. In summary, the available evidence is currently insufficient to determine the role of this variant in disease. Therefore, it has been classified as a Variant of Uncertain Significance.

NM_000815.5(GABRD):c.619G>C (p.Asp207His)

Gene: GABRD (gamma-aminobutyric acid type A receptor subunit delta; plus strand). Cytogenetic location: 1p36.33.
Variant type: single nucleotide variant.
Coding change: c.619G>C on transcript NM_000815.5 (MANE Select); coding-DNA position 619, G replaced by C.
Protein change: p.Asp207His; replaces aspartic acid 207 with histidine.
Molecular consequence: missense variant.
Genome position (GRCh38, 1-based): chr1:2,028,220, G>C. VCF-style: chr1-2028220-G-C. GRCh37 (hg19) VCF-style: chr1-1959659-G-C.
Other names: short protein forms D207H.
Identifiers: ClinVar variation 4724382 (VCV004724382.1).